The following is an entry in ClinVar:

NM_007129.5(ZIC2):c.712C>T (p.His238Tyr)

Gene: ZIC2 (Zic family member 2; plus strand). Cytogenetic location: 13q32.3.
Variant type: single nucleotide variant.
Coding change: c.712C>T on transcript NM_007129.5 (MANE Select); coding-DNA position 712, C replaced by T.
Protein change: p.His238Tyr; replaces histidine 238 with tyrosine.
Molecular consequence: missense variant.
Genome position (GRCh38, 1-based): chr13:99,982,776, C>T. VCF-style: chr13-99982776-C-T. GRCh37 (hg19) VCF-style: chr13-100635030-C-T.
Other names: short protein forms H238Y.
Identifiers: ClinVar variation 3375176 (VCV003375176.1).
Genomic context (GRCh38, chr13:99,982,776, plus strand): 5'-AATATGAACATGGGTATGAACATGGCAGCAGCCGCGGCCCACCACCACCACCACCACCAC[C>T]ACCACCCCGGTGCCTTTTTCCGCTATATGCGGCAGCAGTGCATCAAGCAGGAGCTAATCT-3'
Protein context (NP_009060.2, residues 228-248): AAAHHHHHHH[His238Tyr]HPGAFFRYMR

ClinVar aggregate classification (germline): Uncertain significance (1 of 4 stars; one submission).

Submission:

Women's Health and Genetics/Laboratory Corporation of America, LabCorp
Classification: Uncertain significance. Last evaluated: 2024-09-26. Review status: criteria provided, single submitter. Criteria: LabCorp Variant Classification Summary - May 2015. Collection method: clinical testing. Allele origin: germline.
Comment: Variant summary: ZIC2 c.712C>T (p.His238Tyr) results in a conservative amino acid change in the encoded protein sequence. Three of five in-silico tools predict a damaging effect of the variant on protein function. The variant was absent in 245310 control chromosomes (gnomAD). The available data on variant occurrences in the general population are insufficient to allow any conclusion about variant significance. To our knowledge, no occurrence of c.712C>T in individuals affected with Holoprosencephaly 5 and no experimental evidence demonstrating its impact on protein function have been reported. No submitters have cited clinical-significance assessments for this variant to ClinVar. Based on the evidence outlined above, the variant was classified as uncertain significance.